The following is an entry in ClinVar:

NM_138348.6(OTULIN):c.353C>A (p.Thr118Asn)

Gene: OTULIN (OTU deubiquitinase with linear linkage specificity; plus strand). Cytogenetic location: 5p15.2.
Variant type: single nucleotide variant.
Coding change: c.353C>A on transcript NM_138348.6 (MANE Select); coding-DNA position 353, C replaced by A.
Protein change: p.Thr118Asn; replaces threonine 118 with asparagine.
Molecular consequence: missense variant.
Genome position (GRCh38, 1-based): chr5:14,681,492, C>A. VCF-style: chr5-14681492-C-A. GRCh37 (hg19) VCF-style: chr5-14681601-C-A.
Other names: short protein forms T118N.
Identifiers: ClinVar variation 2706473 (VCV002706473.3), dbSNP rs2478185251, ClinGen allele CA359242870.

ClinVar aggregate classification (germline): Uncertain significance (1 of 4 stars; one submission).

Submission:

Labcorp Genetics (formerly Invitae), Labcorp
Classification: Uncertain significance. Last evaluated: 2025-03-03. Review status: criteria provided, single submitter. Criteria: Invitae Variant Classification Sherloc (09022015). Collection method: clinical testing. Allele origin: germline.
Comment: This sequence change replaces threonine, which is neutral and polar, with asparagine, which is neutral and polar, at codon 118 of the OTULIN protein (p.Thr118Asn). This variant is not present in population databases (gnomAD no frequency). This variant has not been reported in the literature in individuals affected with OTULIN-related conditions. ClinVar contains an entry for this variant (Variation ID: 2706473). Invitae Evidence Modeling of protein sequence and biophysical properties (such as structural, functional, and spatial information, amino acid conservation, physicochemical variation, residue mobility, and thermodynamic stability) indicates that this missense variant is not expected to disrupt OTULIN protein function with a negative predictive value of 80%. In summary, the available evidence is currently insufficient to determine the role of this variant in disease. Therefore, it has been classified as a Variant of Uncertain Significance.